The following is an entry in ClinVar:

NM_000214.3(JAG1):c.3481A>T (p.Met1161Leu)

Gene: JAG1 (jagged canonical Notch ligand 1; minus strand). Cytogenetic location: 20p12.2.
Variant type: single nucleotide variant.
Coding change: c.3481A>T on transcript NM_000214.3 (MANE Select); coding-DNA position 3481, A replaced by T.
Protein change: p.Met1161Leu; replaces methionine 1161 with leucine.
Molecular consequence: missense variant.
Genome position (GRCh38, 1-based): chr20:10,639,674, T>A on the plus strand (A>T on the coding strand, the complement: JAG1 is on the minus strand). VCF-style: chr20-10639674-T-A. GRCh37 (hg19) VCF-style: chr20-10620322-T-A.
Other names: short protein forms M1161L.
Identifiers: ClinVar variation 4082955 (VCV004082955.1).

ClinVar aggregate classification (germline): Uncertain significance (1 of 4 stars; one submission).

Submission:

GeneDx
Classification: Uncertain significance. Last evaluated: 2025-03-09. Review status: criteria provided, single submitter. Criteria: GeneDx Variant Classification Process June 2021. Collection method: clinical testing. Allele origin: germline. Affected: yes.
Comment: Not observed at significant frequency in large population cohorts (gnomAD); In silico analysis indicates that this missense variant does not alter protein structure/function; Has not been previously published as pathogenic or benign to our knowledge